The following is an entry in ClinVar:

ClinVar aggregate classification (germline): Uncertain significance. Review status: criteria provided, single submitter (1 of 4 stars). 2 submissions from 2 submitters: Uncertain significance (1). 1 of the submissions does not count toward it. Last evaluated 2021-09-01.

Conditions:
Neuronal ceroid lipofuscinosis. Also called: Neuronal Ceroid Lipofuscinoses. Identifiers: Orphanet 216, Orphanet 79263, MedGen C0027877, MONDO:0016295. Disease mechanism: loss of function.

Allele frequency attached by ClinVar (database versions not stated): ExAC 0.00001; gnomAD 0.00001; gnomAD exomes 0.00001 and 0.00002; TOPMed 0.00001.

Submissions (2):

Labcorp Genetics (formerly Invitae), Labcorp
Classification: Uncertain significance for Neuronal ceroid lipofuscinosis. Last evaluated: 2021-09-01. Review status: criteria provided, single submitter. Criteria: Invitae Variant Classification Sherloc (09022015). Collection method: clinical testing. Allele origin: germline.
Comment: This sequence change replaces glycine with alanine at codon 46 of the CLN5 protein (p.Gly46Ala). The glycine residue is weakly conserved and there is a small physicochemical difference between glycine and alanine. This variant is present in population databases (rs774598730, ExAC 0.002%). This variant has not been reported in the literature in individuals affected with CLN5-related conditions. Algorithms developed to predict the effect of missense changes on protein structure and function are either unavailable or do not agree on the potential impact of this missense change (SIFT: "Deleterious"; PolyPhen-2: "Possibly Damaging"; Align-GVGD: "Class C0"). In summary, the available evidence is currently insufficient to determine the role of this variant in disease. Therefore, it has been classified as a Variant of Uncertain Significance.

Natera, Inc.
Classification: Uncertain significance for Neuronal ceroid lipofuscinosis. Last evaluated: 2021-01-27. Review status: no assertion criteria provided. Collection method: clinical testing. Allele origin: germline. Not counted in ClinVar's aggregate classification.

NM_006493.4(CLN5):c.-11G>C

Gene: CLN5 (CLN5 lysosomal BMP synthase; plus strand). Cytogenetic location: 13q22.3.
Variant type: single nucleotide variant.
Coding change: c.-11G>C on transcript NM_006493.4 (MANE Select); 11 bases upstream of the start codon, G replaced by C.
Molecular consequence: 5 prime UTR variant.
Genome position (GRCh38, 1-based): chr13:76,992,088, G>C. VCF-style: chr13-76992088-G-C. GRCh37 (hg19) VCF-style: chr13-77566223-G-C.
Other names: c.-11G>C (NM_001366624.2).
Identifiers: ClinVar variation 942106 (VCV000942106.10), dbSNP rs774598730, ClinGen allele CA7007097.